The following is an entry in ClinVar:

NM_013382.7(POMT2):c.924-2A>C

Gene: POMT2 (protein O-mannosyltransferase 2; minus strand). Cytogenetic location: 14q24.3.
Variant type: single nucleotide variant.
Coding change: c.924-2A>C on transcript NM_013382.7 (MANE Select); the canonical splice acceptor site of the intron before coding-DNA position 924, A replaced by C.
Molecular consequence: splice acceptor variant.
Genome position (GRCh38, 1-based): chr14:77,298,773, T>G on the plus strand (A>C on the coding strand, the complement: POMT2 is on the minus strand). VCF-style: chr14-77298773-T-G. GRCh37 (hg19) VCF-style: chr14-77765116-T-G.
Identifiers: ClinVar variation 449378 (VCV000449378.18), dbSNP rs886044256, ClinGen allele CA390519836.

ClinVar aggregate classification (germline): Pathogenic. Review status: criteria provided, multiple submitters, no conflicts (2 of 4 stars). 7 submissions from 7 submitters: Pathogenic (7). Last evaluated 2025-09-26.

Conditions:
Autosomal recessive limb-girdle muscular dystrophy. Identifiers: Orphanet 102015, MedGen C2931907, MONDO:0015152.
Muscular dystrophy-dystroglycanopathy (congenital with brain and eye anomalies), type A2. Also called: MUSCULAR DYSTROPHY-DYSTROGLYCANOPATHY (CONGENITAL WITH BRAIN AND EYE ANOMALIES), TYPE A, 2; WALKER-WARBURG SYNDROME OR MUSCLE-EYE-BRAIN DISEASE, POMT2-RELATED. Identifiers: Orphanet 588, Orphanet 899, MedGen C3150411, MONDO:0013154, OMIM 613150.
Muscular dystrophy-dystroglycanopathy (congenital with impaired intellectual development), type B, 2. Also called: Muscular dystrophy-dystroglycanopathy (congenital with intellectual disability), type B2; MUSCULAR DYSTROPHY, CONGENITAL, POMT2-RELATED. Identifiers: MedGen C3150416, MONDO:0013160, OMIM 613156.
Autosomal recessive limb-girdle muscular dystrophy type 2N. Also called: MUSCULAR DYSTROPHY-DYSTROGLYCANOPATHY, LIMB-GIRDLE, POMT2-RELATED; Muscular dystrophy-dystroglycanopathy (limb-girdle), type C, 2. Identifiers: Orphanet 206559, MedGen C3150418, MONDO:0013162, OMIM 613158.
POMT2-related disorder. Also called: POMT2-related condition.

Submissions (7):

3billion
Classification: Pathogenic for POMT2-related disorder. Last evaluated: 2025-09-26. Review status: criteria provided, single submitter. Criteria: ACMG Guidelines, 2015. Collection method: clinical testing. Allele origin: germline. Affected: yes.
Comment: The variant is not observed in the gnomAD v4.1.0 dataset. Predicted Consequence/Location: Canonical splice site: predicted to alter splicing and result in a loss or disruption of normal protein function. Multiple pathogenic loss-of-function variants are reported downstream of the variant. In silico tools predict the variant to alter splicing and produce an abnormal transcript [SpliceAI: 0.99 (spliceogenicity >=0.2, non-spliceogenicity <0.1)]. The variant has been reported at least twice as pathogenic with clinical assertions and evidence for the classification (ClinVar ID: VCV000449378 /PMID: 18752264). Therefore, this variant is classified as Pathogenic according to the recommendation of ACMG/AMP guideline.

Fulgent Genetics
Classification: Pathogenic for Muscular dystrophy-dystroglycanopathy (congenital with brain and eye anomalies), type A2; Muscular dystrophy-dystroglycanopathy (congenital with impaired intellectual development), type B, 2; Autosomal recessive limb-girdle muscular dystrophy type 2N. Last evaluated: 2024-04-12. Review status: criteria provided, single submitter. Criteria: ACMG Guidelines, 2015. Collection method: clinical testing. Allele origin: germline.

Women's Health and Genetics/Laboratory Corporation of America, LabCorp
Classification: Pathogenic for Autosomal recessive limb-girdle muscular dystrophy. Last evaluated: 2024-04-08. Review status: criteria provided, single submitter. Criteria: LabCorp Variant Classification Summary - May 2015. Collection method: clinical testing. Allele origin: germline.
Comment: Variant summary: POMT2 c.924-2A>C is located in a canonical splice-site and is predicted to affect mRNA splicing resulting in a significantly altered protein due to either exon skipping, shortening, or inclusion of intronic material. Several computational tools predict a significant impact on normal splicing: Four predict the variant abolishes a canonical 3' acceptor site. However, these predictions have yet to be confirmed by functional studies. The variant was absent in 246094 control chromosomes (gnomAD). c.924-2A>C has been reported in the literature in individuals affected with Walker-Warburg Syndrome (Manzini_2008, Abumansour_2015). These data indicate that the variant is very likely to be associated with disease. ClinVar contains an entry for this variant (Variation ID: 449378). Based on the evidence outlined above, the variant was classified as pathogenic.

Genomic Medicine Center of Excellence, King Faisal Specialist Hospital and Research Centre
Classification: Pathogenic for Muscular dystrophy-dystroglycanopathy (congenital with brain and eye anomalies), type A2. Last evaluated: 2024-03-29. Review status: criteria provided, single submitter. Criteria: ACMG Guidelines, 2015. Collection method: clinical testing. Allele origin: germline.

Baylor Genetics
Classification: Pathogenic for Muscular dystrophy-dystroglycanopathy (congenital with brain and eye anomalies), type A2. Last evaluated: 2022-05-13. Review status: criteria provided, single submitter. Criteria: ACMG Guidelines, 2015. Collection method: clinical testing. Allele origin: unknown.

Labcorp Genetics (formerly Invitae), Labcorp
Classification: Pathogenic for Muscular dystrophy-dystroglycanopathy (congenital with impaired intellectual development), type B, 2; Muscular dystrophy-dystroglycanopathy (congenital with brain and eye anomalies), type A2; Autosomal recessive limb-girdle muscular dystrophy type 2N. Last evaluated: 2021-03-26. Review status: criteria provided, single submitter. Criteria: Invitae Variant Classification Sherloc (09022015). Collection method: clinical testing. Allele origin: germline.
Comment: For these reasons, this variant has been classified as Pathogenic. Donor and acceptor splice site variants typically lead to a loss of protein function (PMID: 16199547), and loss-of-function variants in POMT2 are known to be pathogenic (PMID: 15894594). Disruption of this splice site has been observed in several individuals affected with POMT2-related Walker-Warburg Syndrome or POMT2-related lissencephaly (PMID: 18752264, 26495167, 17559086). ClinVar contains an entry for this variant (Variation ID: 449378). This variant is not present in population databases (ExAC no frequency). This sequence change affects an acceptor splice site in intron 7 of the POMT2 gene. It is expected to disrupt RNA splicing and likely results in an absent or disrupted protein product.

GeneDx
Classification: Pathogenic. Last evaluated: 2016-06-08. Review status: criteria provided, single submitter. Criteria: GeneDx Variant Classification (06012015). Collection method: clinical testing. Allele origin: germline. Affected: yes.
Comment: The c.924-2 A>C pathogenic splice site variant has been previously reported as a homozygous variant in three fetus' with congenital hydrocephalus in one consanguineous family (Abumansour et al., 2015). This variant destroys the canonical splice acceptor site of intron 7. It is predicted to cause abnormal gene splicing, either leading to an abnormal message that is subjected to nonsense-mediated mRNA decay, or to an abnormal protein product if the message is used for protein translation. The c.924-2 A>C variant was not observed in approximately 6,500 individuals of European and African American ancestry in the NHLBI Exome Sequencing Project, indicating it is not a common benign variant in these populations. Therefore, we interpret c.924-2 A>C as a pathogenic variant.

Literature cited by the submitters: PubMed 18752264 (cited by 3 submitters); PubMed 26495167 (cited by Women's Health and Genetics/Laboratory Corporation of America, LabCorp and Labcorp Genetics (formerly Invitae), Labcorp); PubMed 16199547 (cited by Labcorp Genetics (formerly Invitae), Labcorp); PubMed 15894594 (cited by Labcorp Genetics (formerly Invitae), Labcorp); PubMed 17559086 (cited by Labcorp Genetics (formerly Invitae), Labcorp).